The following is an entry in ClinVar:

NM_003995.4(NPR2):c.1477C>T (p.Arg493Cys)

Gene: NPR2 (natriuretic peptide receptor 2; plus strand). Cytogenetic location: 9p13.3.
Variant type: single nucleotide variant.
Coding change: c.1477C>T on transcript NM_003995.4 (MANE Select); coding-DNA position 1477, C replaced by T.
Protein change: p.Arg493Cys; replaces arginine 493 with cysteine.
Molecular consequence: missense variant.
Genome position (GRCh38, 1-based): chr9:35,801,683, C>T. VCF-style: chr9-35801683-C-T. GRCh37 (hg19) VCF-style: chr9-35801680-C-T.
Other names: c.1486C>T, p.Arg496Cys (NM_001378923.1); short protein forms R493C, R496C.
Identifiers: ClinVar variation 4782414 (VCV004782414.1).

ClinVar aggregate classification (germline): Uncertain significance (1 of 4 stars; one submission).

Conditions:
Tall stature-scoliosis-macrodactyly of the great toes syndrome. Also called: Epiphyseal chondrodysplasia, miura type. Identifiers: Orphanet 329191, MedGen C4014690, MONDO:0014401, OMIM 615923.
Acromesomelic dysplasia 1, Maroteaux type (AMD1). Also called: ACROMESOMELIC DYSPLASIA 1; ST. HELENA DYSPLASIA. Identifiers: Orphanet 40, MedGen C1864356, MONDO:0011275, OMIM 602875.

gnomAD v4.1: 8 of 1,613,994 alleles (0.0005%); highest among the groups gnomAD compares: East Asian, 0.0022%; no homozygotes.

Submission:

Labcorp Genetics (formerly Invitae), Labcorp
Classification: Uncertain significance for Tall stature-scoliosis-macrodactyly of the great toes syndrome; Acromesomelic dysplasia 1, Maroteaux type. Last evaluated: 2025-10-01. Review status: criteria provided, single submitter. Criteria: Invitae Variant Classification Sherloc (09022015). Collection method: clinical testing. Allele origin: germline.
Comment: This sequence change replaces arginine, which is basic and polar, with cysteine, which is neutral and slightly polar, at codon 493 of the NPR2 protein (p.Arg493Cys). This variant is present in population databases (rs764163202, gnomAD 0.006%). This variant has not been reported in the literature in individuals affected with NPR2-related conditions. Invitae Evidence Modeling of protein sequence and biophysical properties (such as structural, functional, and spatial information, amino acid conservation, physicochemical variation, residue mobility, and thermodynamic stability) indicates that this missense variant is expected to disrupt NPR2 protein function with a positive predictive value of 80%. In summary, the available evidence is currently insufficient to determine the role of this variant in disease. Therefore, it has been classified as a Variant of Uncertain Significance.